The following is an entry in ClinVar:

ClinVar aggregate classification (germline): Likely pathogenic (1 of 4 stars; one submission).

Allele frequency attached by ClinVar (database versions not stated): gnomAD exomes below 0.00001; ExAC 0.00001.
gnomAD v4.1: 2 of 1,613,830 alleles (0.00012%); highest among the groups gnomAD compares: Non-Finnish European, 0.00017%; no homozygotes.

Submission:

Labcorp Genetics (formerly Invitae), Labcorp
Classification: Likely pathogenic. Last evaluated: 2021-03-25. Review status: criteria provided, single submitter. Criteria: Invitae Variant Classification Sherloc (09022015). Collection method: clinical testing. Allele origin: germline.
Comment: This variant is present in population databases (rs775034495, ExAC 0.001%). This sequence change affects a donor splice site in intron 12 of the SLC26A5 gene. It is expected to disrupt RNA splicing. Variants that disrupt the donor or acceptor splice site typically lead to a loss of protein function (PMID: 16199547), and loss-of-function variants in SLC26A5 are known to be pathogenic (PMID: 12239568, 24164807). This variant has not been reported in the literature in individuals with SLC26A5-related conditions. In summary, the currently available evidence indicates that the variant is pathogenic, but additional data are needed to prove that conclusively. Therefore, this variant has been classified as Likely Pathogenic. Algorithms developed to predict the effect of sequence changes on RNA splicing suggest that this variant may disrupt the consensus splice site, but this prediction has not been confirmed by published transcriptional studies.

Literature cited by the submitters: PubMed 16199547; PubMed 12239568; PubMed 24164807.

NM_198999.3(SLC26A5):c.1311+1G>T

Gene: SLC26A5 (solute carrier family 26 member 5; minus strand). Cytogenetic location: 7q22.1.
Variant type: single nucleotide variant.
Coding change: c.1311+1G>T on transcript NM_198999.3 (MANE Select); the canonical splice donor site of the intron after coding-DNA position 1311, G replaced by T.
Molecular consequence: splice donor variant. On other transcripts: intron variant (1).
Genome position (GRCh38, 1-based): chr7:103,390,428, C>A on the plus strand (G>T on the coding strand, the complement: SLC26A5 is on the minus strand). VCF-style: chr7-103390428-C-A. GRCh37 (hg19) VCF-style: chr7-103030875-C-A.
Other names: c.971+7504G>T (NM_206885.3); c.1311+1G>T (NM_001321787.2, NM_206884.3, NM_206883.3 and 1 more transcripts).
Identifiers: ClinVar variation 1501910 (VCV001501910.8), dbSNP rs775034495, ClinGen allele CA4419550.